The following is an entry in ClinVar:

ClinVar aggregate classification (germline): Uncertain significance. Review status: criteria provided, multiple submitters, no conflicts (2 of 4 stars). 5 submissions from 5 submitters: Uncertain significance (3). 2 of the submissions do not count toward it. Last evaluated 2025-01-21.

Conditions:
INS-related disorder. Also called: INS-related condition.
Type 2 diabetes mellitus. Also called: Type II diabetes mellitus. Identifiers: MedGen C0011860, MeSH D003924, MONDO:0005148, OMIM 125853, HP:0005978.

Allele frequency attached by ClinVar (database versions not stated): gnomAD exomes 0.00006 and 0.00002; gnomAD 0.00002 and 0.00001; ExAC below 0.00001; TOPMed 0.00004.
gnomAD v4.1: 92 of 1,585,938 alleles (0.0058%); highest among the groups gnomAD compares: Middle Eastern, 0.018%; no homozygotes.

Submissions (5):

Dasa
Classification: Uncertain significance. Last evaluated: 2025-01-21. Review status: criteria provided, single submitter. Criteria: DASA Assertion Criteria. Collection method: clinical testing. Allele origin: germline.
Comment: NM_000207.3(INS):c.202C>A (p.Leu68Met) is a missense variant that results in the substitution of leucine with methionine. This variant is rare in population databases. Computational prediction algorithms are consistent with a benign effect. The currently available literature and clinical evidence are not sufficient to establish a definitive association between this variant and the reported condition. Therefore, this variant is classified as a variant of uncertain significance.

Labcorp Genetics (formerly Invitae), Labcorp
Classification: Uncertain significance. Last evaluated: 2022-09-19. Review status: criteria provided, single submitter. Criteria: Invitae Variant Classification Sherloc (09022015). Collection method: clinical testing. Allele origin: germline.
Comment: This sequence change replaces leucine, which is neutral and non-polar, with methionine, which is neutral and non-polar, at codon 68 of the INS protein (p.Leu68Met). The frequency data for this variant in the population databases is considered unreliable, as metrics indicate poor data quality at this position in the gnomAD database. This missense change has been observed in individual(s) with diabetes (PMID: 28993341). ClinVar contains an entry for this variant (Variation ID: 68728). Algorithms developed to predict the effect of missense changes on protein structure and function are either unavailable or do not agree on the potential impact of this missense change (SIFT: "Tolerated"; PolyPhen-2: "Probably Damaging"; Align-GVGD: "Class C0"). In summary, the available evidence is currently insufficient to determine the role of this variant in disease. Therefore, it has been classified as a Variant of Uncertain Significance.

Clinical Genomics, Uppaluri K&H Personalized Medicine Clinic
Classification: Uncertain significance for Type 2 diabetes mellitus. Review status: criteria provided, single submitter. Criteria: K &amp; H Uppaluri Personalized Medicine Clinic Variant Classification &amp; Assertion Criteria_Updated V.1. Collection method: research. Allele origin: unknown. Inheritance: Autosomal dominant inheritance.
Comment: Potent mutations in the INS gene can cause early onset diabetes mellitus which is insulin dependent. May have poor response to sulfonylureas, mutations in this gene can cause beta cell destruction.Sufficient evidence is found to confer the association of this particular variant rs121908279 with Type ll Diabetes mellitus

PreventionGenetics, part of Exact Sciences
Classification: Uncertain significance for INS-related condition. Last evaluated: 2024-01-12. Review status: no assertion criteria provided. Collection method: clinical testing. Allele origin: germline. Not counted in ClinVar's aggregate classification.
Comment: The INS c.202C>A variant is predicted to result in the amino acid substitution p.Leu68Met. This variant has been reported in individuals with diabetes but no additional studies were performed to help assess its pathogenicity (Pezzilli et al. 2018. PubMed ID: 28993341; Edghill et al. 2008. PubMed ID: 18162506). This variant is reported in 0.0044% of alleles in individuals of European (Non-Finnish) descent in gnomAD. At this time, the clinical significance of this variant is uncertain due to the absence of conclusive functional and genetic evidence.

UniProtKB/Swiss-Prot
Classification: Likely benign. Review status: no assertion criteria provided. Collection method: not provided. Allele origin: germline. Not counted in ClinVar's aggregate classification.
ClinVar note: Converted during submission from likely benign to Likely benign.

Literature cited by the submitters: PubMed 28993341 (cited by Labcorp Genetics (formerly Invitae), Labcorp); PubMed 18162506 (cited by Clinical Genomics, Uppaluri K&H Personalized Medicine Clinic); PubMed 20226046 (cited by Clinical Genomics, Uppaluri K&H Personalized Medicine Clinic).

NM_000207.3(INS):c.202C>A (p.Leu68Met)

Genes: INS (insulin; minus strand), INS-IGF2 (INS-IGF2 readthrough; minus strand). Cytogenetic location: 11p15.5.
Variant type: single nucleotide variant.
Coding change: c.202C>A on transcript NM_000207.3 (MANE Select); coding-DNA position 202, C replaced by A.
Protein change: p.Leu68Met; replaces leucine 68 with methionine.
Molecular consequence: missense variant. On other transcripts: intron variant (1).
Genome position (GRCh38, 1-based): chr11:2,159,983, G>T on the plus strand (C>A on the coding strand, the complement: INS is on the minus strand). VCF-style: chr11-2159983-G-T. GRCh37 (hg19) VCF-style: chr11-2181213-G-T.
Other names: c.202C>A, p.Leu68Met (NM_001185097.2, NM_001185098.2, NM_001291897.2); c.187+802C>A (NM_001042376.3); short protein forms L68M.
Identifiers: ClinVar variation 68728 (VCV000068728.11), dbSNP rs121908279, ClinGen allele CA219842.